The following is an entry in ClinVar:

NM_031433.4(MFRP):c.461del (p.Phe154fs)

Genes: C1QTNF5 (C1q and TNF related 5; minus strand), MFRP (membrane frizzled-related protein; minus strand). Cytogenetic location: 11q23.3.
Variant type: Deletion.
Coding change: c.461del on transcript NM_031433.4 (MANE Select); coding-DNA position 461, one base deleted (T; older notation c.461delT).
Protein change: p.Phe154fs; shifts the reading frame from phenylalanine 154.
Molecular consequence: frameshift variant. On other transcripts: 5 prime UTR variant (1).
Genome position (GRCh38, 1-based): chr11:119,345,600, A deleted on the plus strand (T on the coding strand, the reverse complement: MFRP is on the minus strand); the first of 2 consecutive A bases (chr11:119,345,600-119,345,601); deleting either gives the same sequence. VCF-style (leftmost placement, unchanged base first): chr11-119345599-GA-G. GRCh37 (hg19) VCF-style: chr11-119216309-GA-G.
Other names: c.-2176del (NM_015645.5); short protein forms F154fs.
Identifiers: ClinVar variation 4884400 (VCV004884400.1).

ClinVar aggregate classification (germline): Likely pathogenic (1 of 4 stars; one submission).

Conditions:
MFRP-related ocular disease.

Submission:

Division of Genetic & Genomic Pathology, Hong Kong Children's Hospital
Classification: Likely pathogenic for MFRP-related ocular disease. Last evaluated: 2025-10-20. Review status: criteria provided, single submitter. Criteria: ACMG Guidelines, 2015. Collection method: clinical testing. Allele origin: germline. Affected: yes.
Comment: MFRP c.461del is a single nucleotide deletion located in exon 5 (out of 15 exons). It disrupts the original reading frame of the gene and is predicted to result in loss of protein function by nonsense-mediated mRNA decay. The variant is absent from control populations (gnomAD v2.1.1 and v4.1.0). It has not been reported in Human Gene Mutation Database (HGMD, v2024.2) or ClinVar. Since biallelic loss-of-function is the known disease mechanism for the MFRP, the variant is classified as likely pathogenic. The variant is in trans with another missense variant.